The following is an entry in ClinVar:

NM_001267550.2(TTN):c.91564+1G>T

Genes: TTN (titin; minus strand), TTN-AS1 (TTN antisense RNA 1; plus strand). Cytogenetic location: 2q31.2.
Variant type: single nucleotide variant.
Coding change: c.91564+1G>T on transcript NM_001267550.2 (MANE Select); the canonical splice donor site of the intron after coding-DNA position 91564, G replaced by T.
Molecular consequence: splice donor variant.
Genome position (GRCh38, 1-based): chr2:178,550,966, C>A on the plus strand (G>T on the coding strand, the complement: TTN is on the minus strand). VCF-style: chr2-178550966-C-A. GRCh37 (hg19) VCF-style: chr2-179415693-C-A.
Other names: c.64369+1G>T (NM_003319.4); c.64945+1G>T (NM_133437.4); c.64744+1G>T (NM_133432.3); c.83860+1G>T (NM_133378.4); c.86641+1G>T (NM_001256850.1).
Identifiers: ClinVar variation 4785217 (VCV004785217.2).

ClinVar aggregate classification (germline): Conflicting classifications of pathogenicity. Review status: criteria provided, conflicting classifications (1 of 4 stars). 2 submissions from 2 submitters: Likely pathogenic (1); Uncertain significance (1). Last evaluated 2026-07-29.

Conditions:
Autosomal recessive limb-girdle muscular dystrophy type 2J (LGMDR10). Also called: Limb-girdle muscular dystrophy, type 2J; MUSCULAR DYSTROPHY, LIMB-GIRDLE, AUTOSOMAL RECESSIVE 10. Identifiers: Orphanet 140922, MedGen C1837342, MONDO:0012127, OMIM 608807.
Dilated cardiomyopathy 1G (CMD1G). Identifiers: Orphanet 154, MedGen C1858763, MONDO:0011400, OMIM 604145.
Cardiovascular phenotype. Identifiers: MedGen CN230736.

Submissions (2):

Ambry Genetics
Classification: Uncertain significance for Cardiovascular phenotype. Last evaluated: 2026-07-29. Review status: criteria provided, single submitter. Criteria: Ambry Variant Classification Scheme 2023. Collection method: clinical testing. Allele origin: germline.
Comment: The c.64369+1G>T intronic variant results from a G to T substitution one nucleotide after coding exon 163 of the TTN gene. This exon is located in the A-band region of the N2-B isoform of the titin protein and is constitutively expressed in TTN transcripts (percent spliced in or PSI 100%). This variant was reported in individual(s) with features consistent with nonischemic cardiomyopathy (Ambry internal data). This nucleotide position is highly conserved in available vertebrate species. In silico splice site analysis predicts that this alteration will weaken the native splice donor site. This variant disrupts the canonical splice site and is expected to cause aberrant splicing. However, although direct evidence is unavailable, this variant is predicted to result in an in-frame transcript that is not expected to trigger nonsense-mediated mRNA decay. The exact functional effect of the predicted splice impact is unknown. Based on the available evidence, the clinical significance of this variant remains unclear.

Labcorp Genetics (formerly Invitae), Labcorp
Classification: Likely pathogenic for Dilated cardiomyopathy 1G; Autosomal recessive limb-girdle muscular dystrophy type 2J. Last evaluated: 2025-06-08. Review status: criteria provided, single submitter. Criteria: Invitae Variant Classification Sherloc (09022015). Collection method: clinical testing. Allele origin: germline.
Comment: This sequence change affects a donor splice site in intron 336 of the TTN gene. It is expected to disrupt RNA splicing and likely results in a truncated or disrupted TTN protein. This variant is not present in population databases (gnomAD no frequency). This variant has not been reported in the literature in individuals affected with TTN-related conditions. Algorithms developed to predict the effect of sequence changes on RNA splicing suggest that this variant may disrupt the consensus splice site. This variant is located in the A band of TTN (PMID: 25589632). Truncating variants in this region are significantly overrepresented in patients affected with dilated cardiomyopathy (PMID: 25589632). Truncating variants in this region have also been reported in individuals affected with autosomal recessive centronuclear myopathy (PMID: 23975875). In summary, the currently available evidence indicates that the variant is pathogenic, but additional data are needed to prove that conclusively. Therefore, this variant has been classified as Likely Pathogenic.

Literature cited by the submitters: PubMed 25589632 (cited by Labcorp Genetics (formerly Invitae), Labcorp); PubMed 23975875 (cited by Labcorp Genetics (formerly Invitae), Labcorp).